The following is an entry in ClinVar:

NM_030665.4(RAI1):c.5616A>G (p.Lys1872=)

Gene: RAI1 (retinoic acid induced 1; plus strand). Cytogenetic location: 17p11.2.
Variant type: single nucleotide variant.
Coding change: c.5616A>G on transcript NM_030665.4 (MANE Select); coding-DNA position 5616, A replaced by G.
Protein change: p.Lys1872=; no amino-acid change (lysine 1872 retained).
Molecular consequence: synonymous variant.
Genome position (GRCh38, 1-based): chr17:17,803,806, A>G. VCF-style: chr17-17803806-A-G. GRCh37 (hg19) VCF-style: chr17-17707120-A-G.
Other names: c.5616A>G (NM_030665.3).
Identifiers: ClinVar variation 1600108 (VCV001600108.9), dbSNP rs1204448546, ClinGen allele CA498190946.

ClinVar aggregate classification (germline): Benign. Review status: criteria provided, single submitter (1 of 4 stars). 2 submissions from 2 submitters: Benign (1). 1 of the submissions does not count toward it. Last evaluated 2025-05-22.

Conditions:
RAI1-related disorder. Also called: RAI1-related condition.

Allele frequency attached by ClinVar (database versions not stated): TOPMed below 0.00001; gnomAD 0.00001.
gnomAD v4.1: 2 of 1,613,430 alleles (0.00012%); highest among the groups gnomAD compares: Admixed American, 0.0033%; no homozygotes.

Submissions (2):

Labcorp Genetics (formerly Invitae), Labcorp
Classification: Benign. Last evaluated: 2025-05-22. Review status: criteria provided, single submitter. Criteria: Invitae Variant Classification Sherloc (09022015). Collection method: clinical testing. Allele origin: germline.

PreventionGenetics, part of Exact Sciences
Classification: Likely benign for RAI1-related condition. Last evaluated: 2021-10-29. Review status: no assertion criteria provided. Collection method: clinical testing. Allele origin: germline. Not counted in ClinVar's aggregate classification.
Comment: This variant is classified as likely benign based on ACMG/AMP sequence variant interpretation guidelines (Richards et al. 2015 PMID: 25741868, with internal and published modifications).